The following is an entry in ClinVar:

NM_000179.3(MSH6):c.3760_3761del (p.Glu1254fs)

Gene: MSH6 (mutS homolog 6; plus strand). Cytogenetic location: 2p16.3.
Variant type: Deletion.
Coding change: c.3760_3761del on transcript NM_000179.3 (MANE Select); coding-DNA positions 3760 to 3761, 2 bases deleted (GA; older notation c.3760_3761delGA).
Protein change: p.Glu1254fs; shifts the reading frame from glutamic acid 1254.
Molecular consequence: frameshift variant.
Genome position (GRCh38, 1-based): chr2:47,806,317-47,806,318, GA deleted; deleting any 2 consecutive bases within chr2:47,806,316-47,806,318 gives the same sequence; the c. name uses the placement nearest the transcript's 3' end. VCF-style (leftmost placement, unchanged base first): chr2-47806315-TAG-T. GRCh37 (hg19) VCF-style: chr2-48033454-TAG-T.
Other names: c.3370_3371del, p.Glu1124fs (NM_001281492.2); c.2854_2855del, p.Glu952fs (NM_001281493.2, NM_001281494.2); c.3856_3857delGA, p.Glu1286Argfs (NM_001406795.1, NM_001406802.1); c.3760_3761delGA, p.Glu1254Argfs (NM_001406796.1, NM_001406800.1, NM_001406808.1 and 1 more transcripts); c.3463_3464delGA, p.Glu1155Argfs (NM_001406797.1, NM_001406801.1, NM_001406805.1 and 10 more transcripts); c.3586_3587delGA, p.Glu1196Argfs (NM_001406798.1); c.3235_3236delGA, p.Glu1079Argfs (NM_001406799.1, NM_001406806.1, NM_001406807.1); c.2896_2897delGA, p.Glu966Argfs (NM_001406803.1); and 8 more; short protein forms E952fs, E1124fs, E1254fs.
Identifiers: ClinVar variation 1734672 (VCV001734672.2), dbSNP rs2530846508, ClinGen allele CA2580067324.

ClinVar aggregate classification (germline): Pathogenic (1 of 4 stars; one submission).

Conditions:
Hereditary cancer-predisposing syndrome. Also called: Neoplastic Syndromes, Hereditary; Tumor predisposition; Hereditary Cancer Syndrome; Hereditary neoplastic syndrome. Identifiers: Orphanet 140162, MedGen C0027672, MeSH D009386, MONDO:0015356.

Submission:

Ambry Genetics
Classification: Pathogenic for Hereditary cancer-predisposing syndrome. Last evaluated: 2017-03-30. Review status: criteria provided, single submitter. Criteria: Ambry Variant Classification Scheme 2023. Collection method: clinical testing. Allele origin: germline.
Comment: The c.3760_3761delGA variant, located in coding exon 8 of the MSH6 gene, results from a deletion of two nucleotides at nucleotide positions 3760 to 3761, causing a translational frameshift with a predicted alternate stop codon (p.E1254Rfs*20). This alteration is expected to result in loss of function by premature protein truncation or nonsense-mediated mRNA decay. As such, this alteration is interpreted as a disease-causing mutation.